The following is an entry in ClinVar:

NM_004994.3(MMP9):c.1459G>A (p.Gly487Ser)

Gene: MMP9 (matrix metallopeptidase 9; plus strand). Cytogenetic location: 20q13.12.
Variant type: single nucleotide variant.
Coding change: c.1459G>A on transcript NM_004994.3 (MANE Select); coding-DNA position 1459, G replaced by A.
Protein change: p.Gly487Ser; replaces glycine 487 with serine.
Molecular consequence: missense variant.
Genome position (GRCh38, 1-based): chr20:46,013,383, G>A. VCF-style: chr20-46013383-G-A. GRCh37 (hg19) VCF-style: chr20-44642022-G-A.
Other names: short protein forms G487S.
Identifiers: ClinVar variation 3669809 (VCV003669809.2).
Genomic context (GRCh38, chr20:46,013,383, plus strand): 5'-GTCTGCCCCACCGGACCCCCCACTGTCCACCCCTCAGAGCGCCCCACAGCTGGCCCCACA[G>A]GTCCCCCCTCAGCTGGCCCCACAGGTCCCCCCACTGCTGGCCCTTCTACGGCCACTACTG-3'
Protein context (NP_004985.2, residues 477-497): PSERPTAGPT[Gly487Ser]PPSAGPTGPP

ClinVar aggregate classification (germline): Uncertain significance (1 of 4 stars; one submission).

gnomAD v4.1: 9 of 1,610,882 alleles (0.00056%); highest among the groups gnomAD compares: Admixed American, 0.015%; no homozygotes.

Submission:

Labcorp Genetics (formerly Invitae), Labcorp
Classification: Uncertain significance. Last evaluated: 2024-11-23. Review status: criteria provided, single submitter. Criteria: Invitae Variant Classification Sherloc (09022015). Collection method: clinical testing. Allele origin: germline.
Comment: This sequence change replaces glycine, which is neutral and non-polar, with serine, which is neutral and polar, at codon 487 of the MMP9 protein (p.Gly487Ser). This variant is present in population databases (rs774943876, gnomAD 0.01%). This variant has not been reported in the literature in individuals affected with MMP9-related conditions. An algorithm developed to predict the effect of missense changes on protein structure and function (PolyPhen-2) suggests that this variant is likely to be disruptive. In summary, the available evidence is currently insufficient to determine the role of this variant in disease. Therefore, it has been classified as a Variant of Uncertain Significance.